The following is an entry in ClinVar:

ClinVar aggregate classification (germline): Likely benign. Review status: criteria provided, multiple submitters, no conflicts (2 of 4 stars). 3 submissions from 3 submitters: Likely benign (2). 1 of the submissions does not count toward it. Last evaluated 2026-01-23.

Conditions:
SAG-related disorder. Also called: SAG-related disorders; SAG-related condition.

Allele frequency attached by ClinVar (database versions not stated): ESP Exome Variant Server 0.00008; gnomAD exomes 0.00010 and 0.00018; ExAC 0.00019.
gnomAD v4.1: 62 of 1,613,760 alleles (0.0038%); highest among the groups gnomAD compares: Admixed American, 0.1%; no homozygotes.

Submissions (3):

Labcorp Genetics (formerly Invitae), Labcorp
Classification: Likely benign. Last evaluated: 2026-01-23. Review status: criteria provided, single submitter. Criteria: Invitae Variant Classification Sherloc (09022015). Collection method: clinical testing. Allele origin: germline.

Blueprint Genetics
Classification: Likely benign. Last evaluated: 2023-02-01. Review status: criteria provided, single submitter. Criteria: ACMG Guidelines, 2015. Collection method: clinical testing. Allele origin: germline.

PreventionGenetics, part of Exact Sciences
Classification: Likely benign for SAG-related condition. Last evaluated: 2019-09-19. Review status: no assertion criteria provided. Collection method: clinical testing. Allele origin: germline. Not counted in ClinVar's aggregate classification.
Comment: This variant is classified as likely benign based on ACMG/AMP sequence variant interpretation guidelines (Richards et al. 2015 PMID: 25741868, with internal and published modifications).

NM_000541.5(SAG):c.465A>T (p.Ala155=)

Gene: SAG (S-antigen visual arrestin; plus strand). Cytogenetic location: 2q37.1.
Variant type: single nucleotide variant.
Coding change: c.465A>T on transcript NM_000541.5 (MANE Select); coding-DNA position 465, A replaced by T.
Protein change: p.Ala155=; no amino-acid change (alanine 155 retained).
Molecular consequence: synonymous variant.
Genome position (GRCh38, 1-based): chr2:233,327,150, A>T. VCF-style: chr2-233327150-A-T. GRCh37 (hg19) VCF-style: chr2-234235796-A-T.
Other names: c.465A>T (NM_000541.4).
Identifiers: ClinVar variation 1105967 (VCV001105967.12), dbSNP rs373440920, ClinGen allele CA2174388.